The following is an entry in ClinVar:

ClinVar aggregate classification (germline): Likely benign (1 of 4 stars; one submission).

Allele frequency attached by ClinVar (database versions not stated): gnomAD 0.00001; gnomAD exomes 0.00001; TOPMed 0.00002; ExAC 0.00003; ESP Exome Variant Server 0.00008; 1000 Genomes Project 0.00020; 1000 Genomes Project 30x 0.00031.
gnomAD v4.1: 21 of 1,613,936 alleles (0.0013%); highest among the groups gnomAD compares: South Asian, 0.015%; no homozygotes.

Submission:

CeGaT Center for Human Genetics Tuebingen
Classification: Likely benign. Last evaluated: 2024-04-01. Review status: criteria provided, single submitter. Criteria: CeGaT Center For Human Genetics Tuebingen Variant Classification Criteria Version 2. Collection method: clinical testing. Allele origin: germline. Affected: yes. Observed: 1 variant allele.
Comment: ST3GAL3: BP4, BP7

NM_006279.5(ST3GAL3):c.209+9804G>A

Gene: ST3GAL3 (ST3 beta-galactoside alpha-2,3-sialyltransferase 3; plus strand). Cytogenetic location: 1p34.1.
Variant type: single nucleotide variant.
Coding change: c.209+9804G>A on transcript NM_006279.5 (MANE Select); 9804 bases into the intron after coding-DNA position 209, G replaced by A.
Molecular consequence: intron variant. On other transcripts: synonymous variant (4).
Genome position (GRCh38, 1-based): chr1:43,824,737, G>A. VCF-style: chr1-43824737-G-A. GRCh37 (hg19) VCF-style: chr1-44290409-G-A.
Other names: c.216G>A, p.Pro72= (NM_001363573.2, NM_174968.5); c.261G>A, p.Pro87= (NM_174963.5); c.168G>A, p.Pro56= (NM_174971.5); c.254+9804G>A (NM_001350619.2, NM_174964.4, NM_174965.4); c.206+9804G>A (NM_001270465.3, NM_001270463.3); c.-245+9804G>A (NM_001350621.2); c.209+9804G>A (NM_001350620.2, NM_001270459.2, NM_174966.4 and 2 more transcripts); c.161+9804G>A (NM_001410781.1, NM_174969.4, NM_001270461.3 and 4 more transcripts).
Identifiers: ClinVar variation 3234286 (VCV003234286.20), dbSNP rs116390403, ClinGen allele CA814558.